The following is an entry in ClinVar:

ClinVar aggregate classification (germline): Uncertain significance (1 of 4 stars; one submission).

Conditions:
Congenital myasthenic syndrome 8. Also called: MYASTHENIC SYNDROME, CONGENITAL, DUE TO AGRIN DEFICIENCY; Myasthenic syndrome, congenital, 8, with pre- and postsynaptic defects. Identifiers: Orphanet 590, MedGen C3808739, MONDO:0014052, OMIM 615120.

Submission:

Labcorp Genetics (formerly Invitae), Labcorp
Classification: Uncertain significance for Congenital myasthenic syndrome 8. Last evaluated: 2022-05-10. Review status: criteria provided, single submitter. Criteria: Invitae Variant Classification Sherloc (09022015). Collection method: clinical testing. Allele origin: germline.
Comment: In summary, the available evidence is currently insufficient to determine the role of this variant in disease. Therefore, it has been classified as a Variant of Uncertain Significance. Algorithms developed to predict the effect of missense changes on protein structure and function are either unavailable or do not agree on the potential impact of this missense change (SIFT: "Deleterious"; PolyPhen-2: "Possibly Damaging"; Align-GVGD: "Class C0"). This variant has not been reported in the literature in individuals affected with AGRN-related conditions. This variant is not present in population databases (gnomAD no frequency). This sequence change replaces leucine, which is neutral and non-polar, with valine, which is neutral and non-polar, at codon 1799 of the AGRN protein (p.Leu1799Val).

NM_198576.4(AGRN):c.5395C>G (p.Leu1799Val)

Gene: AGRN (agrin; plus strand). Cytogenetic location: 1p36.33.
Variant type: single nucleotide variant.
Coding change: c.5395C>G on transcript NM_198576.4 (MANE Select); coding-DNA position 5395, C replaced by G.
Protein change: p.Leu1799Val; replaces leucine 1799 with valine.
Molecular consequence: missense variant.
Genome position (GRCh38, 1-based): chr1:1,051,477, C>G. VCF-style: chr1-1051477-C-G. GRCh37 (hg19) VCF-style: chr1-986857-C-G.
Other names: c.5407C>G, p.Leu1803Val (NM_001305275.2); c.5092C>G, p.Leu1698Val (NM_001364727.2); short protein forms L1803V, L1698V, L1799V.
Identifiers: ClinVar variation 1992677 (VCV001992677.4), dbSNP rs2522803780, ClinGen allele CA337781465.
Genomic context (GRCh38, chr1:1,051,477, plus strand): 5'-TGGCAGGCGGGACAAGGCCCTCACCCTGCCCTGCAGGTCTCCCTCGGAGGCCGCCAGCTG[C>G]TGACCCCGGAGCACGTGCTGCGGCAGGTGGACGTCACGTCCTTTGCAGGTCACCCCTGCA-3'
Protein context (NP_940978.2, residues 1789-1809): QLVSLGGRQL[Leu1799Val]TPEHVLRQVD